The following is an entry in ClinVar:

ClinVar aggregate classification (germline): Likely pathogenic (1 of 4 stars; one submission).

Conditions:
Congenital myasthenic syndrome 13 (CMS13). Also called: Myasthenic syndrome, congenital, with tubular aggregates 2; Myasthenic syndrome, congenital, 13, with tubular aggregates. Identifiers: Orphanet 353327, Orphanet 590, MedGen C3553645, MONDO:0013883, OMIM 614750.

Submission:

3billion
Classification: Likely pathogenic for Congenital myasthenic syndrome 13. Last evaluated: 2022-01-03. Review status: criteria provided, single submitter. Criteria: ACMG Guidelines, 2015. Collection method: clinical testing. Allele origin: germline. Affected: yes. Observed: 1 heterozygote.
Comment: Stop-gained (nonsense): predicted to result in a loss or disruption of normal protein function through nonsense-mediated decay (NMD) or protein truncation. Multiple pathogenic variants are reported downstream of the variant (PVS1_VS). It is not observed in the gnomAD v2.1.1 dataset (PM2_M). The variant has been reported to be associated with DPAGT1 related disorder (3billion dataset).Therefore, this variant is classified as pathogenic according to the recommendation of ACMG/AMP guideline.

NM_001382.4(DPAGT1):c.457A>T (p.Lys153Ter)

Gene: DPAGT1 (dolichyl-phosphate N-acetylglucosaminephosphotransferase 1; minus strand). Cytogenetic location: 11q23.3.
Variant type: single nucleotide variant.
Coding change: c.457A>T on transcript NM_001382.4 (MANE Select); coding-DNA position 457, A replaced by T.
Protein change: p.Lys153Ter; replaces lysine 153 with a stop codon.
Molecular consequence: nonsense.
Genome position (GRCh38, 1-based): chr11:119,100,669, T>A on the plus strand (A>T on the coding strand, the complement: DPAGT1 is on the minus strand). VCF-style: chr11-119100669-T-A. GRCh37 (hg19) VCF-style: chr11-118971379-T-A.
Other names: short protein forms K153*.
Identifiers: ClinVar variation 1333389 (VCV001333389.1), dbSNP rs1946485389, ClinGen allele CA382914987.